The following is an entry in ClinVar:

ClinVar aggregate classification (germline): Likely pathogenic. Review status: criteria provided, single submitter (1 of 4 stars). 2 submissions from 2 submitters: Likely pathogenic (1). 1 of the submissions does not count toward it. Last evaluated 2023-08-25.

Conditions:
Autosomal recessive Alport syndrome (ATS2). Also called: ALPORT SYNDROME 2, AUTOSOMAL RECESSIVE; Alport syndrome type 2; COL4A3-Related Nephropathy; COL4A4 Alport Syndrome and Thin Basement Membrane Nephropathy. Identifiers: Orphanet 63, Orphanet 88919, MedGen C4746745, MONDO:0008762, OMIM 203780.

Allele frequency attached by ClinVar (database versions not stated): gnomAD exomes below 0.00001.
gnomAD v4.1: 4 of 1,613,836 alleles (0.00025%); highest among the groups gnomAD compares: Non-Finnish European, 0.000085%; no homozygotes.

Submissions (2):

GeneDx
Classification: Likely pathogenic. Last evaluated: 2023-08-25. Review status: criteria provided, single submitter. Criteria: GeneDx Variant Classification Process June 2021. Collection method: clinical testing. Allele origin: germline. Affected: yes.
Comment: Reported with a second COL4A3 variant, phase unknown, in a proband with Alport syndrome in the published literature (Heidet et al., 2001); Affects a glycine residue in a Gly-X-Y motif in the triple helical region of the COL4A3 gene, where the majority of pathogenic missense variants occur, and is predicted to disrupt normal protein folding and function (HGMD, Jais et al., 2000); In silico analysis supports that this missense variant has a deleterious effect on protein structure/function; Not observed at significant frequency in large population cohorts (gnomAD); This variant is associated with the following publications: (PMID: 10752524, 11134255)

Counsyl
Classification: Likely pathogenic for Autosomal recessive Alport syndrome. Last evaluated: 2017-11-13. Review status: no assertion criteria provided. Collection method: clinical testing. Allele origin: unknown. Not counted in ClinVar's aggregate classification.

Literature cited by the submitters: PubMed 11134255 (cited by Counsyl).

NM_000091.5(COL4A3):c.890G>A (p.Gly297Glu)

Genes: COL4A3 (collagen type IV alpha 3 chain; plus strand), MFF-DT (MFF divergent transcript; minus strand). Cytogenetic location: 2q36.3.
Variant type: single nucleotide variant.
Coding change: c.890G>A on transcript NM_000091.5 (MANE Select); coding-DNA position 890, G replaced by A.
Protein change: p.Gly297Glu; replaces glycine 297 with glutamic acid.
Molecular consequence: missense variant.
Genome position (GRCh38, 1-based): chr2:227,256,027, G>A. VCF-style: chr2-227256027-G-A. GRCh37 (hg19) VCF-style: chr2-228120743-G-A.
Other names: short protein forms G297E.
Identifiers: ClinVar variation 549933 (VCV000549933.3), dbSNP rs1422638161, ClinGen allele CA350866902.